The following is an entry in ClinVar:

NM_004006.3(DMD):c.6241C>T (p.Leu2081Phe)

Gene: DMD (dystrophin; minus strand). Cytogenetic location: Xp21.1.
Variant type: single nucleotide variant.
Coding change: c.6241C>T on transcript NM_004006.3 (MANE Select); coding-DNA position 6241, C replaced by T.
Protein change: p.Leu2081Phe; replaces leucine 2081 with phenylalanine.
Molecular consequence: missense variant.
Genome position (GRCh38, 1-based): chrX:32,287,578, G>A on the plus strand (C>T on the coding strand, the complement: DMD is on the minus strand). VCF-style: chrX-32287578-G-A. GRCh37 (hg19) VCF-style: chrX-32305695-G-A.
Other names: c.6217C>T, p.Leu2073Phe (NM_000109.4); c.6229C>T, p.Leu2077Phe (NM_004009.3); c.5872C>T, p.Leu1958Phe (NM_004010.3); c.2218C>T, p.Leu740Phe (NM_004011.4); c.2209C>T, p.Leu737Phe (NM_004012.4); short protein forms L737F, L2073F, L1958F, L2077F, L740F, L2081F.
Identifiers: ClinVar variation 2565105 (VCV002565105.2), dbSNP rs2519919805, ClinGen allele CA412665861.
Genomic context (GRCh38, chrX:32,287,578, plus strand): 5'-GTGTTACCTACCCTTGTCGGTCCTTGTACATTTTGTTAACTTTTTCCCATTGGAAATCAA[G>A]CTGGGAGAGAGCTTCCTGTAGCTTCACCCTTTCCACAGGCGTTGCACTTTGCAATGCTGC-3'
Protein context (NP_003997.2, residues 2071-2091): RVKLQEALSQ[Leu2081Phe]DFQWEKVNKM

ClinVar aggregate classification (germline): Uncertain significance (1 of 4 stars; one submission).

Conditions:
Cardiovascular phenotype. Identifiers: MedGen CN230736.

Submission:

Ambry Genetics
Classification: Uncertain significance for Cardiovascular phenotype. Last evaluated: 2023-06-11. Review status: criteria provided, single submitter. Criteria: Ambry Variant Classification Scheme 2023. Collection method: clinical testing. Allele origin: germline.
Comment: The p.L2081F variant (also known as c.6241C>T), located in coding exon 43 of the DMD gene, results from a C to T substitution at nucleotide position 6241. The leucine at codon 2081 is replaced by phenylalanine, an amino acid with highly similar properties. This amino acid position is highly conserved in available vertebrate species. In addition, this alteration is predicted to be tolerated by in silico analysis. Since supporting evidence is limited at this time, the clinical significance of this alteration remains unclear.